The following is an entry in ClinVar:

ClinVar aggregate classification (germline): Uncertain significance. Review status: criteria provided, multiple submitters, no conflicts (2 of 4 stars). 2 submissions from 2 submitters: Uncertain significance (2). Last evaluated 2026-05-12.

Conditions:
CTC1-related disorder. Also called: CTC1-related condition.
Dyskeratosis congenita. Identifiers: Orphanet 1775, MedGen C0265965, MONDO:0015780.

Allele frequency attached by ClinVar (database versions not stated): gnomAD exomes 0.00001 and 0.00006; ExAC 0.00002; gnomAD 0.00002; TOPMed 0.00003; ESP Exome Variant Server 0.00008.
gnomAD v4.1: 85 of 1,607,282 alleles (0.0053%); highest among the groups gnomAD compares: Non-Finnish European, 0.007%; no homozygotes.

Submissions (2):

PreventionGenetics, part of Exact Sciences
Classification: Uncertain significance for CTC1-related condition. Last evaluated: 2026-05-12. Review status: criteria provided, single submitter. Criteria: ACMG Guidelines, 2015. Collection method: clinical testing. Allele origin: germline.
Comment: The CTC1 c.448G>A variant is predicted to result in the amino acid substitution p.Asp150Asn. To our knowledge, this variant has not been reported in the literature. This variant is reported in 0.0065% of alleles in individuals of African descent in gnomAD and is interpreted as variant of uncertain significance in ClinVar (Variation ID: 529189). At this time, the clinical significance of this variant is uncertain due to the absence of conclusive functional and genetic evidence.

Labcorp Genetics (formerly Invitae), Labcorp
Classification: Uncertain significance for Dyskeratosis congenita. Last evaluated: 2023-12-21. Review status: criteria provided, single submitter. Criteria: Invitae Variant Classification Sherloc (09022015). Collection method: clinical testing. Allele origin: germline.
Comment: This sequence change replaces aspartic acid, which is acidic and polar, with asparagine, which is neutral and polar, at codon 150 of the CTC1 protein (p.Asp150Asn). This variant is present in population databases (rs374418436, gnomAD 0.007%). This variant has not been reported in the literature in individuals affected with CTC1-related conditions. ClinVar contains an entry for this variant (Variation ID: 529189). Advanced modeling of protein sequence and biophysical properties (such as structural, functional, and spatial information, amino acid conservation, physicochemical variation, residue mobility, and thermodynamic stability) has been performed at Invitae for this missense variant, however the output from this modeling did not meet the statistical confidence thresholds required to predict the impact of this variant on CTC1 protein function. In summary, the available evidence is currently insufficient to determine the role of this variant in disease. Therefore, it has been classified as a Variant of Uncertain Significance.

NM_025099.6(CTC1):c.448G>A (p.Asp150Asn)

Gene: CTC1 (CST telomere replication complex component 1; minus strand). Cytogenetic location: 17p13.1.
Variant type: single nucleotide variant.
Coding change: c.448G>A on transcript NM_025099.6 (MANE Select); coding-DNA position 448, G replaced by A.
Protein change: p.Asp150Asn; replaces aspartic acid 150 with asparagine.
Molecular consequence: missense variant. On other transcripts: non-coding transcript variant (1).
Genome position (GRCh38, 1-based): chr17:8,238,230, C>T on the plus strand (G>A on the coding strand, the complement: CTC1 is on the minus strand). VCF-style: chr17-8238230-C-T. GRCh37 (hg19) VCF-style: chr17-8141548-C-T.
Other names: short protein forms D150N.
Identifiers: ClinVar variation 529189 (VCV000529189.7), dbSNP rs374418436, ClinGen allele CA8372624.